The following is an entry in ClinVar:

ClinVar aggregate classification (germline): Uncertain significance. Review status: criteria provided, multiple submitters, no conflicts (2 of 4 stars). 2 submissions from 2 submitters: Uncertain significance (2). Last evaluated 2025-05-04.

Conditions:
Hereditary cancer-predisposing syndrome. Also called: Hereditary neoplastic syndrome; Neoplastic Syndromes, Hereditary; Hereditary Cancer Syndrome; Tumor predisposition. Identifiers: Orphanet 140162, MedGen C0027672, MeSH D009386, MONDO:0015356.
Familial cancer of breast. Also called: BREAST CANCER, FAMILIAL; Hereditary breast cancer; hereditary breast carcinoma. Identifiers: Orphanet 227535, MedGen C0346153, MONDO:0016419, OMIM 114480. Disease mechanism: loss of function.

Allele frequency attached by ClinVar (database versions not stated): ESP Exome Variant Server 0.00008.

Submissions (2):

Labcorp Genetics (formerly Invitae), Labcorp
Classification: Uncertain significance for Familial cancer of breast. Last evaluated: 2025-05-04. Review status: criteria provided, single submitter. Criteria: Invitae Variant Classification Sherloc (09022015). Collection method: clinical testing. Allele origin: germline.
Comment: This sequence change replaces leucine, which is neutral and non-polar, with arginine, which is basic and polar, at codon 844 of the PALB2 protein (p.Leu844Arg). This variant is present in population databases (rs375713631, gnomAD 0.0009%). This variant has not been reported in the literature in individuals affected with PALB2-related conditions. ClinVar contains an entry for this variant (Variation ID: 530069). Invitae Evidence Modeling of protein sequence and biophysical properties (such as structural, functional, and spatial information, amino acid conservation, physicochemical variation, residue mobility, and thermodynamic stability) indicates that this missense variant is not expected to disrupt PALB2 protein function with a negative predictive value of 80%. In summary, the available evidence is currently insufficient to determine the role of this variant in disease. Therefore, it has been classified as a Variant of Uncertain Significance.

Ambry Genetics
Classification: Uncertain significance for Hereditary cancer-predisposing syndrome. Last evaluated: 2024-08-12. Review status: criteria provided, single submitter. Criteria: Ambry Variant Classification Scheme 2023. Collection method: clinical testing. Allele origin: germline.
Comment: The p.L844R variant (also known as c.2531T>G), located in coding exon 6 of the PALB2 gene, results from a T to G substitution at nucleotide position 2531. The leucine at codon 844 is replaced by arginine, an amino acid with dissimilar properties. This amino acid position is conserved. In addition, this alteration is predicted to be tolerated by in silico analysis. Based on the available evidence, the clinical significance of this variant remains unclear.

NM_024675.4(PALB2):c.2531T>G (p.Leu844Arg)

Gene: PALB2 (partner and localizer of BRCA2; minus strand). Cytogenetic location: 16p12.2.
Variant type: single nucleotide variant.
Coding change: c.2531T>G on transcript NM_024675.4 (MANE Select); coding-DNA position 2531, T replaced by G.
Protein change: p.Leu844Arg; replaces leucine 844 with arginine.
Molecular consequence: missense variant.
Genome position (GRCh38, 1-based): chr16:23,629,259, A>C on the plus strand (T>G on the coding strand, the complement: PALB2 is on the minus strand). VCF-style: chr16-23629259-A-C. GRCh37 (hg19) VCF-style: chr16-23640580-A-C.
Other names: short protein forms L844R.
Identifiers: ClinVar variation 530069 (VCV000530069.10), dbSNP rs375713631, ClinGen allele CA7963545.
Genomic context (GRCh38, chr16:23,629,259, plus strand): 5'-CTGACCTTTAACTCTGAAACCAATTGTAGGTTGCCTGGGTTTATGCTATCAGAAGCAGGA[A>C]GCTCTGCTGTTTCAGTCTGTGAAAACAAAAGTCACATCATTAGTCTACACTTTATGTATA-3'
Protein context (NP_078951.2, residues 834-854): HSVEQTETAE[Leu844Arg]PASDSINPGN